The following is an entry in ClinVar:

NM_001378454.1(ALMS1):c.11309A>G (p.Asp3770Gly)

Gene: ALMS1 (ALMS1 centrosome and basal body associated protein; plus strand). Cytogenetic location: 2p13.1.
Variant type: single nucleotide variant.
Coding change: c.11309A>G on transcript NM_001378454.1 (MANE Select); coding-DNA position 11309, A replaced by G.
Protein change: p.Asp3770Gly; replaces aspartic acid 3770 with glycine.
Molecular consequence: missense variant.
Genome position (GRCh38, 1-based): chr2:73,573,186, A>G. VCF-style: chr2-73573186-A-G. GRCh37 (hg19) VCF-style: chr2-73800313-A-G.
Other names: c.11312A>G, p.Asp3771Gly (NM_015120.4); short protein forms D3771G, D3770G.
Identifiers: ClinVar variation 529372 (VCV000529372.9), dbSNP rs770147613, ClinGen allele CA1715163.

ClinVar aggregate classification (germline): Uncertain significance. Review status: criteria provided, multiple submitters, no conflicts (2 of 4 stars). 6 submissions from 6 submitters: Uncertain significance (4). 2 of the submissions do not count toward it. Last evaluated 2024-05-24.

Conditions:
Cardiovascular phenotype. Identifiers: MedGen CN230736.
Alstrom syndrome (ALMS). Identifiers: Orphanet 64, MedGen C0268425, MONDO:0008763, OMIM 203800.

Allele frequency attached by ClinVar (database versions not stated): ExAC 0.00001.
gnomAD v4.1: 5 of 1,612,812 alleles (0.00031%); highest among the groups gnomAD compares: Non-Finnish European, 0.00034%; no homozygotes.

Submissions (6):

GeneDx
Classification: Uncertain significance. Last evaluated: 2024-05-24. Review status: criteria provided, single submitter. Criteria: GeneDx Variant Classification Process June 2021. Collection method: clinical testing. Allele origin: germline. Affected: yes.
Comment: Not observed at significant frequency in large population cohorts (gnomAD); In silico analysis supports that this missense variant has a deleterious effect on protein structure/function; Has not been previously published as pathogenic or benign to our knowledge

Blueprint Genetics
Classification: Uncertain significance. Last evaluated: 2023-12-29. Review status: criteria provided, single submitter. Criteria: ACMG Guidelines, 2015. Collection method: clinical testing. Allele origin: germline.

Ambry Genetics
Classification: Uncertain significance for Cardiovascular phenotype. Last evaluated: 2021-02-25. Review status: criteria provided, single submitter. Criteria: Ambry Variant Classification Scheme 2023. Collection method: clinical testing. Allele origin: germline.
Comment: The p.D3771G variant (also known as c.11312A>G), located in coding exon 16 of the ALMS1 gene, results from an A to G substitution at nucleotide position 11312. The aspartic acid at codon 3771 is replaced by glycine, an amino acid with similar properties. This amino acid position is well conserved in available vertebrate species; however, glycine is the reference amino acid in other vertebrate species. In addition, this alteration is predicted to be tolerated by in silico analysis. Since supporting evidence is limited at this time, the clinical significance of this alteration remains unclear.

Labcorp Genetics (formerly Invitae), Labcorp
Classification: Uncertain significance for Alstrom syndrome. Last evaluated: 2017-09-26. Review status: criteria provided, single submitter. Criteria: Invitae Variant Classification Sherloc (09022015). Collection method: clinical testing. Allele origin: germline.
Comment: This sequence change replaces aspartic acid with glycine at codon 3771 of the ALMS1 protein (p.Asp3771Gly). The aspartic acid residue is moderately conserved and there is a moderate physicochemical difference between aspartic acid and glycine. This variant is present in population databases (rs770147613, ExAC 0.002%). This variant has not been reported in the literature in individuals with ALMS1-related disease. Algorithms developed to predict the effect of missense changes on protein structure and function (SIFT, PolyPhen-2, Align-GVGD) all suggest that this variant is likely to be tolerated, but these predictions have not been confirmed by published functional studies and their clinical significance is uncertain. Algorithms developed to predict the effect of sequence changes on RNA splicing suggest that this variant may create or strengthen a splice site, but this prediction has not been confirmed by published transcriptional studies. In summary, the available evidence is currently insufficient to determine the role of this variant in disease. Therefore, it has been classified as a Variant of Uncertain Significance.

Natera, Inc.
Classification: Uncertain significance for Alstrom syndrome. Last evaluated: 2020-04-23. Review status: no assertion criteria provided. Collection method: clinical testing. Allele origin: germline. Not counted in ClinVar's aggregate classification.

Counsyl
Classification: Uncertain significance for Alstrom syndrome. Last evaluated: 2017-02-01. Review status: no assertion criteria provided. Collection method: clinical testing. Allele origin: unknown. Not counted in ClinVar's aggregate classification.